The following is an entry in ClinVar:

NM_001127221.2(CACNA1A):c.5605T>C (p.Cys1869Arg)

Gene: CACNA1A (calcium voltage-gated channel subunit alpha1 A; minus strand). Cytogenetic location: 19p13.13.
Variant type: single nucleotide variant.
Coding change: c.5605T>C on transcript NM_001127221.2 (MANE Plus Clinical); coding-DNA position 5605, T replaced by C.
Protein change: p.Cys1869Arg; replaces cysteine 1869 with arginine.
Molecular consequence: missense variant. On other transcripts: intron variant (4).
Genome position (GRCh38, 1-based): chr19:13,228,722, A>G on the plus strand (T>C on the coding strand, the complement: CACNA1A is on the minus strand). VCF-style: chr19-13228722-A-G. GRCh37 (hg19) VCF-style: chr19-13339536-A-G.
Other names: C1870R; c.5529-1195T>C (NM_001127222.2); c.5538-1195T>C (NM_001174080.2); c.5547-1195T>C (NM_000068.4, NM_023035.3); short protein forms C1869R.
Identifiers: ClinVar variation 68438 (VCV000068438.2), dbSNP rs121908244, ClinGen allele CA266068.

ClinVar aggregate classification (germline): Uncertain significance. Review status: criteria provided, single submitter (1 of 4 stars). 2 submissions from 2 submitters: Uncertain significance (1). 1 of the submissions does not count toward it. Last evaluated 2025-08-14.

Conditions:
Episodic ataxia type 2 (EA2). Also called: ATAXIA, EPISODIC, WITH NYSTAGMUS; ATAXIA, FAMILIAL PAROXYSMAL; CEREBELLAR ATAXIA, PAROXYSMAL, ACETAZOLAMIDE-RESPONSIVE; CEREBELLOPATHY, HEREDITARY PAROXYSMAL; ACETAZOLAMIDE-RESPONSIVE HEREDITARY PAROXYSMAL CEREBELLAR ATAXIA; EPISODIC ATAXIA, NYSTAGMUS-ASSOCIATED. Identifiers: Orphanet 97, MedGen C1720416, MONDO:0007163, OMIM 108500.

Submissions (2):

GeneDx
Classification: Uncertain significance. Last evaluated: 2025-08-14. Review status: criteria provided, single submitter. Criteria: GeneDx Variant Classification Process June 2021. Collection method: clinical testing. Allele origin: germline. Affected: yes.
Comment: Not observed at significant frequency in large population cohorts (gnomAD); In silico analysis supports that this missense variant has a deleterious effect on protein structure/function; This variant is associated with the following publications: (PMID: 20129625, 36964972, 37422902)

UniProtKB/Swiss-Prot
No classification provided. Condition: Episodic ataxia type 2. Review status: no classification provided. Collection method: not provided. Allele origin: not provided. Not counted in ClinVar's aggregate classification.
Comment: c.5608T>C and C1870R in PubMed 20129625